The following is an entry in ClinVar:

NM_004655.4(AXIN2):c.671A>C (p.Tyr224Ser)

Gene: AXIN2 (axin 2; minus strand). Cytogenetic location: 17q24.1.
Variant type: single nucleotide variant.
Coding change: c.671A>C on transcript NM_004655.4 (MANE Select); coding-DNA position 671, A replaced by C.
Protein change: p.Tyr224Ser; replaces tyrosine 224 with serine.
Molecular consequence: missense variant.
Genome position (GRCh38, 1-based): chr17:65,557,950, T>G on the plus strand (A>C on the coding strand, the complement: AXIN2 is on the minus strand). VCF-style: chr17-65557950-T-G. GRCh37 (hg19) VCF-style: chr17-63554068-T-G.
Other names: c.671A>C, p.Tyr224Ser (NM_001363813.1); short protein forms Y224S.
Identifiers: ClinVar variation 2566114 (VCV002566114.7), dbSNP rs1166843937, ClinGen allele CA400680526.

ClinVar aggregate classification (germline): Uncertain significance. Review status: criteria provided, multiple submitters, no conflicts (2 of 4 stars). 3 submissions from 3 submitters: Uncertain significance (3). Last evaluated 2025-07-14.

Conditions:
Oligodontia-cancer predisposition syndrome. Also called: TOOTH AGENESIS-COLORECTAL CANCER SYNDROME. Identifiers: Orphanet 300576, MedGen C1837750, MONDO:0012075, OMIM 608615. Disease mechanism: loss of function.
Colorectal cancer. Also called: Colorectal cancer, somatic; Malignant Colorectal Neoplasm. Identifiers: MedGen C0346629, MONDO:0005575, OMIM 114500.
Hereditary cancer-predisposing syndrome. Also called: Neoplastic Syndromes, Hereditary; Hereditary Cancer Syndrome; Hereditary neoplastic syndrome; Tumor predisposition. Identifiers: Orphanet 140162, MedGen C0027672, MeSH D009386, MONDO:0015356.

Submissions (3):

Ambry Genetics
Classification: Uncertain significance for Hereditary cancer-predisposing syndrome. Last evaluated: 2025-07-14. Review status: criteria provided, single submitter. Criteria: Ambry Variant Classification Scheme 2023. Collection method: clinical testing. Allele origin: germline.
Comment: The p.Y224S variant (also known as c.671A>C), located in coding exon 1 of the AXIN2 gene, results from an A to C substitution at nucleotide position 671. The tyrosine at codon 224 is replaced by serine, an amino acid with dissimilar properties. This amino acid position is highly conserved in available vertebrate species. In addition, this alteration is predicted to be deleterious by in silico analysis. Based on the available evidence, the clinical significance of this variant remains unclear.

Labcorp Genetics (formerly Invitae), Labcorp
Classification: Uncertain significance for Oligodontia-cancer predisposition syndrome. Last evaluated: 2024-08-19. Review status: criteria provided, single submitter. Criteria: Invitae Variant Classification Sherloc (09022015). Collection method: clinical testing. Allele origin: germline.
Comment: This sequence change replaces tyrosine, which is neutral and polar, with serine, which is neutral and polar, at codon 224 of the AXIN2 protein (p.Tyr224Ser). This variant is not present in population databases (gnomAD no frequency). This variant has not been reported in the literature in individuals affected with AXIN2-related conditions. ClinVar contains an entry for this variant (Variation ID: 2566114). Invitae Evidence Modeling of protein sequence and biophysical properties (such as structural, functional, and spatial information, amino acid conservation, physicochemical variation, residue mobility, and thermodynamic stability) indicates that this missense variant is expected to disrupt AXIN2 protein function with a positive predictive value of 80%. In summary, the available evidence is currently insufficient to determine the role of this variant in disease. Therefore, it has been classified as a Variant of Uncertain Significance.

Baylor Genetics
Classification: Uncertain significance for Colorectal cancer. Last evaluated: 2024-03-05. Review status: criteria provided, single submitter. Criteria: ACMG Guidelines, 2015. Collection method: clinical testing. Allele origin: unknown.